The following is an entry in ClinVar:

ClinVar aggregate classification (germline): Likely pathogenic. Review status: criteria provided, multiple submitters, no conflicts (2 of 4 stars). 2 submissions from 2 submitters: Likely pathogenic (2). Last evaluated 2023-09-12.

Conditions:
Hereditary cancer-predisposing syndrome. Also called: Neoplastic Syndromes, Hereditary; Tumor predisposition; Hereditary Cancer Syndrome; Hereditary neoplastic syndrome. Identifiers: Orphanet 140162, MedGen C0027672, MeSH D009386, MONDO:0015356.
Ataxia-telangiectasia syndrome (AT). Also called: Ataxia telangiectasia (A-T); ATAXIA-TELANGIECTASIA, COMPLEMENTATION GROUP A; ATAXIA-TELANGIECTASIA, FRESNO VARIANT; Ataxia-telangiectasia; Ataxia-telangiectasia, complementation group E; LOUIS-BAR SYNDROME. Identifiers: Orphanet 100, MedGen C0004135, MONDO:0008840, OMIM 208900.

Submissions (2):

Ambry Genetics
Classification: Likely pathogenic for Hereditary cancer-predisposing syndrome. Last evaluated: 2023-09-12. Review status: criteria provided, single submitter. Criteria: Ambry Variant Classification Scheme 2023. Collection method: clinical testing. Allele origin: germline.
Comment: The c.7789-1G>A intronic variant results from a G to A substitution one nucleotide before coding exon 52 of the ATM gene. This nucleotide position is highly conserved in available vertebrate species. In silico splice site analysis predicts that this alteration will weaken the native splice acceptor site. Alterations that disrupt the canonical splice site are expected to cause aberrant splicing, resulting in an abnormal protein or a transcript that is subject to nonsense-mediated mRNA decay. As such, this alteration is classified as likely pathogenic.

Labcorp Genetics (formerly Invitae), Labcorp
Classification: Likely pathogenic for Ataxia-telangiectasia syndrome. Last evaluated: 2022-11-20. Review status: criteria provided, single submitter. Criteria: Invitae Variant Classification Sherloc (09022015). Collection method: clinical testing. Allele origin: germline.
Comment: This sequence change affects an acceptor splice site in intron 52 of the ATM gene. It is expected to disrupt RNA splicing. Variants that disrupt the donor or acceptor splice site typically lead to a loss of protein function (PMID: 16199547), and loss-of-function variants in ATM are known to be pathogenic (PMID: 23807571, 25614872). This variant is not present in population databases (gnomAD no frequency). In summary, the currently available evidence indicates that the variant is pathogenic, but additional data are needed to prove that conclusively. Therefore, this variant has been classified as Likely Pathogenic. Algorithms developed to predict the effect of sequence changes on RNA splicing suggest that this variant may disrupt the consensus splice site. ClinVar contains an entry for this variant (Variation ID: 1068042). Disruption of this splice site has been observed in individual(s) with clinical features of ataxia-telangiectasia (Invitae).

Literature cited by the submitters: PubMed 16199547 (cited by Labcorp Genetics (formerly Invitae), Labcorp); PubMed 23807571 (cited by Labcorp Genetics (formerly Invitae), Labcorp); PubMed 25614872 (cited by Labcorp Genetics (formerly Invitae), Labcorp).

NM_000051.4(ATM):c.7789-1G>A

Genes: C11orf65 (chromosome 11 open reading frame 65; minus strand), ATM (ATM serine/threonine kinase; plus strand). Cytogenetic location: 11q22.3.
Variant type: single nucleotide variant.
Coding change: c.7789-1G>A on transcript NM_000051.4 (MANE Select); the canonical splice acceptor site of the intron before coding-DNA position 7789, G replaced by A.
Molecular consequence: splice acceptor variant. On other transcripts: intron variant (2).
Genome position (GRCh38, 1-based): chr11:108,332,761, G>A. VCF-style: chr11-108332761-G-A. GRCh37 (hg19) VCF-style: chr11-108203488-G-A.
Other names: c.7789-1G>A (NM_001351834.2); c.641-23690C>T (NM_001330368.2); c.*38+2459C>T (NM_001351110.2).
Identifiers: ClinVar variation 1068042 (VCV001068042.8), dbSNP rs1591177953, ClinGen allele CA382561235.
Genomic context (GRCh38, chr11:108,332,761, plus strand): 5'-CTCTGAGAAGTTTAAATGTTGGGTAGTTCCTTATGTAATGTTTTTTGTTTTTTATTAATA[G>A]GATCGAACAGAGGCTGCAAATAGAATAATATGTACTATCAGAAGTAGGAGACCTCAGATG-3'